The following is an entry in ClinVar:

NM_000219.6(KCNE1):c.24G>A (p.Ala8=)

Gene: KCNE1 (potassium voltage-gated channel subfamily E regulatory subunit 1; minus strand). Cytogenetic location: 21q22.12.
Variant type: single nucleotide variant.
Coding change: c.24G>A on transcript NM_000219.6 (MANE Select); coding-DNA position 24, G replaced by A.
Protein change: p.Ala8=; no amino-acid change (alanine 8 retained).
Molecular consequence: synonymous variant.
Genome position (GRCh38, 1-based): chr21:34,449,611, C>T on the plus strand (G>A on the coding strand, the complement: KCNE1 is on the minus strand). VCF-style: chr21-34449611-C-T. GRCh37 (hg19) VCF-style: chr21-35821909-C-T.
Other names: p.A8A:GCG>GCA; p.Ala8=; c.24G>A, p.Ala8= (NM_001127668.4, NM_001127669.4, NM_001127670.4 and 4 more transcripts).
Identifiers: ClinVar variation 137977 (VCV000137977.15), dbSNP rs144094344, ClinGen allele CA291717.

ClinVar aggregate classification (germline): Benign/Likely benign. Review status: criteria provided, multiple submitters, no conflicts (2 of 4 stars). 6 submissions from 6 submitters: Benign (1); Likely benign (4). 1 of the submissions does not count toward it. Last evaluated 2025-12-31.

Conditions:
Long QT syndrome (LQTS). Identifiers: MedGen C0023976, MeSH D008133, MONDO:0002442. Disease mechanism: loss of function. Inheritance: Various modes of inheritance.
Cardiovascular phenotype. Identifiers: MedGen CN230736.
KCNE1-related disorder. Also called: KCNE1-related condition.

Allele frequency attached by ClinVar (database versions not stated): gnomAD 0.00005 and 0.00010; ESP Exome Variant Server 0.00008; gnomAD exomes 0.00009 and 0.00012; ExAC 0.00012; 1000 Genomes Project 0.00020.

Submissions (7):

Labcorp Genetics (formerly Invitae), Labcorp
Classification: Likely benign for Long QT syndrome. Last evaluated: 2025-12-31. Review status: criteria provided, single submitter. Criteria: Invitae Variant Classification Sherloc (09022015). Collection method: clinical testing. Allele origin: germline.

Mayo Clinic Laboratories, Mayo Clinic
Classification: Likely benign. Last evaluated: 2025-02-26. Review status: criteria provided, single submitter. Criteria: ACMG Guidelines, 2015. Collection method: clinical testing. Allele origin: germline. Observed: 1 variant allele.
Comment: BP4, BP7

Ambry Genetics
Classification: Likely benign for Cardiovascular phenotype. Last evaluated: 2021-07-20. Review status: criteria provided, single submitter. Criteria: Ambry Variant Classification Scheme 2023. Collection method: clinical testing. Allele origin: germline.

Athena Diagnostics
Classification: Likely benign. Last evaluated: 2019-07-17. Review status: criteria provided, single submitter. Criteria: Athena Diagnostics Criteria. Collection method: clinical testing. Allele origin: germline.

GeneDx
Classification: Benign. Last evaluated: 2014-03-27. Review status: criteria provided, single submitter. Criteria: GeneDx Variant Classification (06012015). Collection method: clinical testing. Allele origin: germline. Affected: yes.
Comment: This variant is considered likely benign or benign based on one or more of the following criteria: it is a conservative change, it occurs at a poorly conserved position in the protein, it is predicted to be benign by multiple in silico algorithms, and/or has population frequency not consistent with disease.

PreventionGenetics, part of Exact Sciences
Classification: Likely benign for KCNE1-related condition. Last evaluated: 2024-04-03. Review status: no assertion criteria provided. Collection method: clinical testing. Allele origin: germline. Not counted in ClinVar's aggregate classification.
Comment: This variant is classified as likely benign based on ACMG/AMP sequence variant interpretation guidelines (Richards et al. 2015 PMID: 25741868, with internal and published modifications).

Roden Lab, Vanderbilt University Medical Center
No classification provided (evidence only). Condition: Long QT syndrome 5. Review status: no classification provided. Collection method: in vitro. Allele origin: not applicable. Functional consequence: Effect on ion channel function. Not counted in ClinVar's aggregate classification.
ClinVar note: "not provided" was previously submitted as the classification for the variant. However, the classification appeared to be based only on an observation of functional data so it was converted to no classification on 2025-07-30.

Literature cited by the submitters: PubMed 21967835 (cited by Ambry Genetics).